The following is an entry in ClinVar:

ClinVar aggregate classification (germline): Uncertain significance. Review status: criteria provided, single submitter (1 of 4 stars). 2 submissions from 2 submitters: Uncertain significance (1). 1 of the submissions does not count toward it. Last evaluated 2026-04-23.

Conditions:
Kabuki syndrome 1 (KABUK1). Also called: KMT2D-Related Kabuki Syndrome. Identifiers: Orphanet 2322, MedGen CN030661, MONDO:0007843, OMIM 147920.
KMT2D-related disorder. Also called: KMT2D-Related Disorders.

Allele frequency attached by ClinVar (database versions not stated): gnomAD exomes 0.00001 and 0.00002; ExAC 0.00002.
gnomAD v4.1: 9 of 1,613,972 alleles (0.00056%); highest among the groups gnomAD compares: South Asian, 0.0099%; no homozygotes.

Submissions (2):

PreventionGenetics, part of Exact Sciences
Classification: Uncertain significance for KMT2D-related condition. Last evaluated: 2026-04-23. Review status: criteria provided, single submitter. Criteria: ACMG Guidelines, 2015. Collection method: clinical testing. Allele origin: germline.
Comment: The KMT2D c.5468-1G>A variant is predicted to disrupt the AG splice acceptor site and interfere with normal splicing. This variant was reported as an incidental finding in a fetus with skeletal dysplasia who was also homozygous for a causative variant in CUL7 (Smogavec et al. 2022. PubMed ID: 34974531). This variant is reported in 0.0098% of alleles in individuals of South Asian descent in gnomAD. At this time, the clinical significance of this variant is uncertain due to the absence of conclusive functional and genetic evidence.

Institute of Medical Genetics, Medical University of Vienna
Classification: Pathogenic for Kabuki syndrome 1. Last evaluated: 2021-03-10. Review status: no assertion criteria provided. Collection method: clinical testing. Allele origin: germline. Affected: yes. Not counted in ClinVar's aggregate classification.

NM_003482.4(KMT2D):c.5468-1G>A

Gene: KMT2D (lysine methyltransferase 2D; minus strand). Cytogenetic location: 12q13.12.
Variant type: single nucleotide variant.
Coding change: c.5468-1G>A on transcript NM_003482.4 (MANE Select); the canonical splice acceptor site of the intron before coding-DNA position 5468, G replaced by A.
Molecular consequence: splice acceptor variant.
Genome position (GRCh38, 1-based): chr12:49,043,429, C>T on the plus strand (G>A on the coding strand, the complement: KMT2D is on the minus strand). VCF-style: chr12-49043429-C-T. GRCh37 (hg19) VCF-style: chr12-49437212-C-T.
Identifiers: ClinVar variation 1027399 (VCV001027399.2), dbSNP rs759629535, ClinGen allele CA6547530.